The following is an entry in ClinVar:

NM_000525.4(KCNJ11):c.726C>T (p.Asn242=)

Gene: KCNJ11 (potassium inwardly rectifying channel subfamily J member 11; minus strand). Cytogenetic location: 11p15.1.
Variant type: single nucleotide variant.
Coding change: c.726C>T on transcript NM_000525.4 (MANE Select); coding-DNA position 726, C replaced by T.
Protein change: p.Asn242=; no amino-acid change (asparagine 242 retained).
Molecular consequence: synonymous variant.
Genome position (GRCh38, 1-based): chr11:17,387,366, G>A on the plus strand (C>T on the coding strand, the complement: KCNJ11 is on the minus strand). VCF-style: chr11-17387366-G-A. GRCh37 (hg19) VCF-style: chr11-17408913-G-A.
Other names: c.465C>T, p.Asn155= (NM_001166290.2, NM_001377296.1, NM_001377297.1).
Identifiers: ClinVar variation 211225 (VCV000211225.17), dbSNP rs72554078, ClinGen allele CA209837.

ClinVar aggregate classification (germline): Conflicting classifications of pathogenicity. Review status: criteria provided, conflicting classifications (1 of 4 stars). 4 submissions from 4 submitters: Uncertain significance (1); Likely benign (2). 1 of the submissions does not count toward it. Last evaluated 2025-12-01.

Conditions:
KCNJ11-related disorder. Also called: KCNJ11-related disorders; KCNJ11-related condition.
Maturity-onset diabetes of the young (MODY). Also called: Maturity onset diabetes mellitus in young. Identifiers: Orphanet 552, MedGen C0342276, MONDO:0018911, HP:0004904.

Allele frequency attached by ClinVar (database versions not stated): gnomAD exomes 0.00002 and 0.00004; ExAC 0.00004; TOPMed 0.00006; gnomAD 0.00007; ESP Exome Variant Server 0.00015.

Submissions (4):

Labcorp Genetics (formerly Invitae), Labcorp
Classification: Likely benign. Last evaluated: 2025-12-01. Review status: criteria provided, single submitter. Criteria: Invitae Variant Classification Sherloc (09022015). Collection method: clinical testing. Allele origin: germline.

Genetic Services Laboratory, University of Chicago
Classification: Likely benign. Last evaluated: 2016-01-27. Review status: criteria provided, single submitter. Criteria: ACMG Guidelines, 2015. Collection method: clinical testing. Allele origin: germline. Affected: no.

Clinical Genomics, Uppaluri K&H Personalized Medicine Clinic
Classification: Uncertain significance for Maturity-onset diabetes of the young. Review status: criteria provided, single submitter. Criteria: K&H Uppaluri Personalized Medicine Clinic Variant Classification & Assertion Criteria. Collection method: research. Allele origin: somatic. Inheritance: Autosomal dominant inheritance.
Comment: Mutations in KCNJ11 gene can cause decreased production and secretion of insulin. This can lead to MODY which may be responsive to oral sulfonylureas. It is also associated with with Neonatal Diabetes. However, no sufficient evidence is found to ascertain the role of rs72554078 variant in MODY yet.

PreventionGenetics, part of Exact Sciences
Classification: Likely benign for KCNJ11-related condition. Last evaluated: 2024-05-31. Review status: no assertion criteria provided. Collection method: clinical testing. Allele origin: germline. Not counted in ClinVar's aggregate classification.
Comment: This variant is classified as likely benign based on ACMG/AMP sequence variant interpretation guidelines (Richards et al. 2015 PMID: 25741868, with internal and published modifications).

Literature cited by the submitters: PubMed 26448950 (cited by Clinical Genomics, Uppaluri K&H Personalized Medicine Clinic); PubMed 15580558 (cited by Clinical Genomics, Uppaluri K&H Personalized Medicine Clinic); PubMed 15718250 (cited by Clinical Genomics, Uppaluri K&H Personalized Medicine Clinic); PubMed 32935446 (cited by Clinical Genomics, Uppaluri K&H Personalized Medicine Clinic); PubMed 22701567 (cited by Clinical Genomics, Uppaluri K&H Personalized Medicine Clinic).